The following is an entry in ClinVar:

ClinVar aggregate classification (germline): Uncertain significance (1 of 4 stars; one submission).

Submission:

GeneDx
Classification: Uncertain significance. Last evaluated: 2019-08-27. Review status: criteria provided, single submitter. Criteria: GeneDx Variant Classification Process June 2021. Collection method: clinical testing. Allele origin: germline. Affected: yes.
Comment: Not observed in large population cohorts (Lek et al., 2016); In silico analysis, which includes protein predictors and evolutionary conservation, supports that this variant does not alter protein structure/function; Has not been previously published as pathogenic or benign to our knowledge

NM_016239.4(MYO15A):c.6055C>A (p.Leu2019Met)

Gene: MYO15A (myosin XVA; plus strand). Cytogenetic location: 17p11.2.
Variant type: single nucleotide variant.
Coding change: c.6055C>A on transcript NM_016239.4 (MANE Select); coding-DNA position 6055, C replaced by A.
Protein change: p.Leu2019Met; replaces leucine 2019 with methionine.
Molecular consequence: missense variant.
Genome position (GRCh38, 1-based): chr17:18,143,878, C>A. VCF-style: chr17-18143878-C-A. GRCh37 (hg19) VCF-style: chr17-18047192-C-A.
Other names: short protein forms L2019M.
Identifiers: ClinVar variation 1309589 (VCV001309589.2), dbSNP rs2142348256, ClinGen allele CA398605663.